The following is an entry in ClinVar:

ClinVar aggregate classification (germline): Uncertain significance (1 of 4 stars; one submission).

Conditions:
Vici syndrome (VICIS). Identifiers: Orphanet 1493, MedGen C1855772, MONDO:0009452, OMIM 242840.

Allele frequency attached by ClinVar (database versions not stated): gnomAD exomes 0.00001 and 0.00003; ExAC 0.00002; gnomAD 0.00007; TOPMed 0.00008; 1000 Genomes Project 30x 0.00016; 1000 Genomes Project 0.00020.
gnomAD v4.1: 21 of 1,614,178 alleles (0.0013%); highest among the groups gnomAD compares: African/African-American, 0.025%; no homozygotes.

Submission:

Labcorp Genetics (formerly Invitae), Labcorp
Classification: Uncertain significance for Vici syndrome. Last evaluated: 2026-01-17. Review status: criteria provided, single submitter. Criteria: Invitae Variant Classification Sherloc (09022015). Collection method: clinical testing. Allele origin: germline.
Comment: This sequence change replaces histidine, which is basic and polar, with tyrosine, which is neutral and polar, at codon 1583 of the EPG5 protein (p.His1583Tyr). This variant is present in population databases (rs535029628, gnomAD 0.03%). This variant has not been reported in the literature in individuals affected with EPG5-related conditions. ClinVar contains an entry for this variant (Variation ID: 1359889). Invitae Evidence Modeling of protein sequence and biophysical properties (such as structural, functional, and spatial information, amino acid conservation, physicochemical variation, residue mobility, and thermodynamic stability) indicates that this missense variant is not expected to disrupt EPG5 protein function with a negative predictive value of 80%. In summary, the available evidence is currently insufficient to determine the role of this variant in disease. Therefore, it has been classified as a Variant of Uncertain Significance.

NM_020964.3(EPG5):c.4747C>T (p.His1583Tyr)

Gene: EPG5 (ectopic P-granules 5 autophagy tethering factor; minus strand). Cytogenetic location: 18q12.3.
Variant type: single nucleotide variant.
Coding change: c.4747C>T on transcript NM_020964.3 (MANE Select); coding-DNA position 4747, C replaced by T.
Protein change: p.His1583Tyr; replaces histidine 1583 with tyrosine.
Molecular consequence: missense variant.
Genome position (GRCh38, 1-based): chr18:45,899,466, G>A on the plus strand (C>T on the coding strand, the complement: EPG5 is on the minus strand). VCF-style: chr18-45899466-G-A. GRCh37 (hg19) VCF-style: chr18-43479431-G-A.
Other names: short protein forms H1583Y.
Identifiers: ClinVar variation 1359889 (VCV001359889.6), dbSNP rs535029628, ClinGen allele CA8948764.